The following is an entry in ClinVar:

NM_000548.5(TSC2):c.905C>G (p.Ala302Gly)

Gene: TSC2 (TSC complex subunit 2; plus strand). Cytogenetic location: 16p13.3.
Variant type: single nucleotide variant.
Coding change: c.905C>G on transcript NM_000548.5 (MANE Select); coding-DNA position 905, C replaced by G.
Protein change: p.Ala302Gly; replaces alanine 302 with glycine.
Molecular consequence: missense variant.
Genome position (GRCh38, 1-based): chr16:2,058,803, C>G. VCF-style: chr16-2058803-C-G. GRCh37 (hg19) VCF-style: chr16-2108804-C-G.
Other names: c.905C>G, p.Ala302Gly (NM_001077183.3, NM_001114382.3, NM_001363528.2 and 3 more transcripts); c.794C>G, p.Ala265Gly (NM_001318827.2); c.758C>G, p.Ala253Gly (NM_001318829.2); c.305C>G, p.Ala102Gly (NM_001318831.2); c.938C>G, p.Ala313Gly (NM_001318832.2); short protein forms A253G, A302G, A265G, A102G, A313G.
Identifiers: ClinVar variation 1351427 (VCV001351427.8), dbSNP rs2151107275, ClinGen allele CA394315292.

ClinVar aggregate classification (germline): Uncertain significance (1 of 4 stars; one submission).

Conditions:
Tuberous sclerosis 2 (TSC2). Identifiers: Orphanet 805, MedGen C1860707, MONDO:0013199, OMIM 613254.

gnomAD v4.1: 1 of 1,598,710 alleles (0.000063%); highest among the groups gnomAD compares: African/African-American, 0.0013%; no homozygotes.

Submission:

Labcorp Genetics (formerly Invitae), Labcorp
Classification: Uncertain significance for Tuberous sclerosis 2. Last evaluated: 2021-03-20. Review status: criteria provided, single submitter. Criteria: Invitae Variant Classification Sherloc (09022015). Collection method: clinical testing. Allele origin: germline.
Comment: This sequence change replaces alanine with glycine at codon 302 of the TSC2 protein (p.Ala302Gly). The alanine residue is highly conserved and there is a small physicochemical difference between alanine and glycine. In summary, the available evidence is currently insufficient to determine the role of this variant in disease. Therefore, it has been classified as a Variant of Uncertain Significance. Advanced modeling of protein sequence and biophysical properties (such as structural, functional, and spatial information, amino acid conservation, physicochemical variation, residue mobility, and thermodynamic stability) performed at Invitae indicates that this missense variant is not expected to disrupt TSC2 protein function. This variant has not been reported in the literature in individuals with TSC2-related conditions. This variant is not present in population databases (ExAC no frequency).